The following is an entry in ClinVar:

NM_030973.4(MED25):c.801dup (p.Val268fs)

Gene: MED25 (mediator complex subunit 25; plus strand). Cytogenetic location: 19q13.33.
Variant type: Duplication.
Coding change: c.801dup on transcript NM_030973.4 (MANE Select); coding-DNA position 801, one base duplicated (C; older notation c.801dupC).
Protein change: p.Val268fs; shifts the reading frame from valine 268.
Molecular consequence: frameshift variant.
Genome position (GRCh38, 1-based): chr19:49,830,200, C duplicated; the last of 6 consecutive C bases (chr19:49,830,195-49,830,200); duplicating any one gives the same sequence. VCF-style (leftmost placement, unchanged base first): chr19-49830194-G-GC. GRCh37 (hg19) VCF-style: chr19-50333451-G-GC.
Other names: c.801dup, p.Val268fs (NM_001378355.1); c.801dupC (NM_030973.3); short protein forms V268fs.
Identifiers: ClinVar variation 573830 (VCV000573830.11), dbSNP rs775072432, ClinGen allele CA9585009.
Genomic context (GRCh38, chr19:49,830,194, plus strand): 5'-CCCCCTGCCTCCCGCCGCACCCTCAGGTGCCACTCTCTCAGCAGCCCCCCAGCAGCCTCT[G>GC]CCCCCCGTCCCCCCGCAGTACCAGGTATGGATATTTCCGGGAAGGGACATGCTTCTGGGG-3'

ClinVar aggregate classification (germline): Uncertain significance. Review status: criteria provided, multiple submitters, no conflicts (2 of 4 stars). 2 submissions from 2 submitters: Uncertain significance (2). Last evaluated 2021-07-31.

Conditions:
Charcot-Marie-Tooth disease type 2. Also called: Charcot-Marie-Tooth type 2. Identifiers: Orphanet 64746, MedGen C0270914, MONDO:0018993.

Submissions (2):

Labcorp Genetics (formerly Invitae), Labcorp
Classification: Uncertain significance for Charcot-Marie-Tooth disease type 2. Last evaluated: 2021-07-31. Review status: criteria provided, single submitter. Criteria: Invitae Variant Classification Sherloc (09022015). Collection method: clinical testing. Allele origin: germline.
Comment: This sequence change creates a premature translational stop signal (p.Val268Argfs*131) in the MED25 gene. It is expected to result in an absent or disrupted protein product. In summary, the available evidence is currently insufficient to determine the role of this variant in disease. Therefore, it has been classified as a Variant of Uncertain Significance. The current clinical and genetic evidence is not sufficient to establish whether loss-of-function variants in MED25 cause disease. This variant has not been reported in the literature in individuals with MED25-related disease. This variant is present in population databases (rs775072432, ExAC 0.01%).

Mayo Clinic Laboratories, Mayo Clinic
Classification: Uncertain significance. Last evaluated: 2019-07-15. Review status: criteria provided, single submitter. Criteria: ACMG Guidelines, 2015. Collection method: clinical testing. Allele origin: germline. Observed: 1 variant allele.